The following is an entry in ClinVar:

ClinVar aggregate classification (germline): Uncertain significance (1 of 4 stars; one submission).

Submission:

CeGaT Center for Human Genetics Tuebingen
Classification: Uncertain significance. Last evaluated: 2026-03-01. Review status: criteria provided, single submitter. Criteria: CeGaT Center For Human Genetics Tuebingen Variant Classification Criteria Version 2. Collection method: clinical testing. Allele origin: germline. Affected: yes. Observed: 1 variant allele.
Comment: ALG9: PM2

NM_024740.2(ALG9):c.712_713delinsTT (p.Ala238Phe)

Gene: ALG9 (ALG9 alpha-1,2-mannosyltransferase; minus strand). Cytogenetic location: 11q23.1.
Variant type: Indel.
Coding change: c.712_713delinsTT on transcript NM_024740.2 (MANE Select); coding-DNA positions 712 to 713, GC replaced by TT.
Protein change: p.Ala238Phe; replaces alanine 238 with phenylalanine.
Molecular consequence: missense variant. On other transcripts: non-coding transcript variant (1).
Genome position (GRCh38, 1-based): chr11:111,853,725-111,853,726, GC replaced by AA on the plus strand (GC replaced by TT on the coding strand, the reverse complement: ALG9 is on the minus strand). VCF-style: chr11-111853725-GC-AA. GRCh37 (hg19) VCF-style: chr11-111724448-GC-AA.
Other names: c.712_713delinsTT, p.Ala238Phe (NM_001077690.1, NM_001352417.1, NM_001352418.1 and 4 more transcripts); c.199_200delinsTT, p.Ala67Phe (NM_001077691.2, NM_001077692.2, NM_001352409.1 and 11 more transcripts); c.124_125delinsTT, p.Ala42Phe (NM_001352422.2); short protein forms A238F, A42F, A67F.
Identifiers: ClinVar variation 4823844 (VCV004823844.4).